The following is an entry in ClinVar:

ClinVar aggregate classification (germline): Uncertain significance. Review status: criteria provided, multiple submitters, no conflicts (2 of 4 stars). 2 submissions from 2 submitters: Uncertain significance (2). Last evaluated 2025-11-12.

gnomAD v4.1: 41 of 1,613,662 alleles (0.0025%); highest among the groups gnomAD compares: East Asian, 0.0045%; no homozygotes.

Submissions (2):

Ambry Genetics
Classification: Uncertain significance. Last evaluated: 2025-11-12. Review status: criteria provided, single submitter. Criteria: Ambry Variant Classification Scheme 2023. Collection method: clinical testing. Allele origin: germline.

Labcorp Genetics (formerly Invitae), Labcorp
Classification: Uncertain significance. Last evaluated: 2025-06-22. Review status: criteria provided, single submitter. Criteria: Invitae Variant Classification Sherloc (09022015). Collection method: clinical testing. Allele origin: germline.
Comment: This sequence change replaces arginine, which is basic and polar, with glutamine, which is neutral and polar, at codon 1158 of the DSCAML1 protein (p.Arg1158Gln). The frequency data for this variant in the population databases is considered unreliable, as metrics indicate poor data quality at this position in the gnomAD database. This variant has not been reported in the literature in individuals affected with DSCAML1-related conditions. ClinVar contains an entry for this variant (Variation ID: 3704162). An algorithm developed to predict the effect of missense changes on protein structure and function (PolyPhen-2) suggests that this variant is likely to be tolerated. In summary, the available evidence is currently insufficient to determine the role of this variant in disease. Therefore, it has been classified as a Variant of Uncertain Significance.

NM_020693.4(DSCAML1):c.3293G>A (p.Arg1098Gln)

Gene: DSCAML1 (DS cell adhesion molecule like 1; minus strand). Cytogenetic location: 11q23.3.
Variant type: single nucleotide variant.
Coding change: c.3293G>A on transcript NM_020693.4 (MANE Select); coding-DNA position 3293, G replaced by A.
Protein change: p.Arg1098Gln; replaces arginine 1098 with glutamine.
Molecular consequence: missense variant.
Genome position (GRCh38, 1-based): chr11:117,461,569, C>T on the plus strand (G>A on the coding strand, the complement: DSCAML1 is on the minus strand). VCF-style: chr11-117461569-C-T. GRCh37 (hg19) VCF-style: chr11-117332285-C-T.
Other names: c.3473G>A (NM_020693.2); short protein forms R1098Q.
Identifiers: ClinVar variation 3704162 (VCV003704162.3).